The following is an entry in ClinVar:

NM_000135.4(FANCA):c.3285C>G (p.Phe1095Leu)

Gene: FANCA (FA complementation group A; minus strand). Cytogenetic location: 16q24.3.
Variant type: single nucleotide variant.
Coding change: c.3285C>G on transcript NM_000135.4 (MANE Select); coding-DNA position 3285, C replaced by G.
Protein change: p.Phe1095Leu; replaces phenylalanine 1095 with leucine.
Molecular consequence: missense variant.
Genome position (GRCh38, 1-based): chr16:89,748,722, G>C on the plus strand (C>G on the coding strand, the complement: FANCA is on the minus strand). VCF-style: chr16-89748722-G-C. GRCh37 (hg19) VCF-style: chr16-89815130-G-C.
Other names: c.3285C>G, p.Phe1095Leu (NM_001286167.3); short protein forms F1095L.
Identifiers: ClinVar variation 4824611 (VCV004824611.1).

ClinVar aggregate classification (germline): Uncertain significance (1 of 4 stars; one submission).

Conditions:
Inborn genetic diseases. Identifiers: MedGen C0950123, MeSH D030342.

gnomAD v4.1: 1 of 1,614,126 alleles (0.000062%); highest among the groups gnomAD compares: East Asian, 0.0022%; no homozygotes.

Submission:

Ambry Genetics
Classification: Uncertain significance for Inborn genetic diseases. Last evaluated: 2026-02-21. Review status: criteria provided, single submitter. Criteria: Ambry Variant Classification Scheme 2023. Collection method: clinical testing. Allele origin: germline.
Comment: The p.F1095L variant (also known as c.3285C>G), located in coding exon 33 of the FANCA gene, results from a C to G substitution at nucleotide position 3285. The phenylalanine at codon 1095 is replaced by leucine, an amino acid with highly similar properties. This amino acid position is conserved. In addition, this alteration is predicted to be tolerated by in silico analysis. Based on the available evidence, the clinical significance of this variant remains unclear.